The following is an entry in ClinVar:

NM_022716.4(PRRX1):c.337T>C (p.Phe113Leu)

Gene: PRRX1 (paired related homeobox 1; plus strand). Cytogenetic location: 1q24.2.
Variant type: single nucleotide variant.
Coding change: c.337T>C on transcript NM_022716.4 (MANE Select); coding-DNA position 337, T replaced by C.
Protein change: p.Phe113Leu; replaces phenylalanine 113 with leucine.
Molecular consequence: missense variant.
Genome position (GRCh38, 1-based): chr1:170,719,821, T>C. VCF-style: chr1-170719821-T-C. GRCh37 (hg19) VCF-style: chr1-170688962-T-C.
Other names: c.337T>C, p.Phe113Leu (NM_006902.5); short protein forms F113L.
Identifiers: ClinVar variation 4881724 (VCV004881724.2).

ClinVar aggregate classification (germline): Uncertain significance (1 of 4 stars; one submission).

Conditions:
Agnathia-otocephaly complex. Also called: OTOCEPHALY; DYSGNATHIA COMPLEX AGNATHIA-HOLOPROSENCEPHALY. Identifiers: Orphanet 990, MedGen C0265242, MONDO:0008740, OMIM 202650.

Submission:

Dasa
Classification: Uncertain significance for Agnathia-otocephaly complex. Last evaluated: 2024-11-22. Review status: criteria provided, single submitter. Criteria: DASA Assertion Criteria. Collection method: clinical testing. Allele origin: germline.
Comment: NM_022716.4(PRRX1):c.337T>C (p.Phe113Leu) is a missense variant that results in the substitution of phenylalanine with leucine. This variant has been recurrently observed in individuals with PRRX1-related disorders (PMID: 37154149; PMID: 21294718). Also, this variant is absent from population databases. Computational prediction algorithms are consistent with a deleterious effect. The currently available literature and clinical evidence are not sufficient to establish a definitive association between this variant and the reported condition. Therefore, this variant is classified as a variant of uncertain significance.

Literature cited by the submitters: PubMed 37154149; PubMed 21294718.